The following is an entry in ClinVar:

ClinVar aggregate classification (germline): Uncertain significance (1 of 4 stars; one submission).

Conditions:
Carnitine palmitoyltransferase II deficiency. Also called: Carnitine Palmitoyltransferase 2 Deficiency. Identifiers: Orphanet 157, MedGen C0342790, MONDO:0015515.

Allele frequency attached by ClinVar (database versions not stated): gnomAD exomes below 0.00001; gnomAD 0.00001; TOPMed 0.00001.
gnomAD v4.1: 4 of 1,612,370 alleles (0.00025%); highest among the groups gnomAD compares: Non-Finnish European, 0.00034%; no homozygotes.

Submission:

Labcorp Genetics (formerly Invitae), Labcorp
Classification: Uncertain significance for Carnitine palmitoyltransferase II deficiency. Last evaluated: 2021-02-17. Review status: criteria provided, single submitter. Criteria: Invitae Variant Classification Sherloc (09022015). Collection method: clinical testing. Allele origin: germline.
Comment: In summary, the available evidence is currently insufficient to determine the role of this variant in disease. Therefore, it has been classified as a Variant of Uncertain Significance. Advanced modeling of protein sequence and biophysical properties (such as structural, functional, and spatial information, amino acid conservation, physicochemical variation, residue mobility, and thermodynamic stability) performed at Invitae indicates that this missense variant is not expected to disrupt CPT2 protein function. This variant has not been reported in the literature in individuals with CPT2-related conditions. This variant is not present in population databases (ExAC no frequency). This sequence change replaces glutamine with proline at codon 529 of the CPT2 protein (p.Gln529Pro). The glutamine residue is moderately conserved and there is a moderate physicochemical difference between glutamine and proline.

NM_000098.3(CPT2):c.1586A>C (p.Gln529Pro)

Gene: CPT2 (carnitine palmitoyltransferase 2; plus strand). Cytogenetic location: 1p32.3.
Variant type: single nucleotide variant.
Coding change: c.1586A>C on transcript NM_000098.3 (MANE Select); coding-DNA position 1586, A replaced by C.
Protein change: p.Gln529Pro; replaces glutamine 529 with proline.
Molecular consequence: missense variant. On other transcripts: intron variant (1).
Genome position (GRCh38, 1-based): chr1:53,211,260, A>C. VCF-style: chr1-53211260-A-C. GRCh37 (hg19) VCF-style: chr1-53676932-A-C.
Other names: c.1576+10A>C (NM_001330589.2); short protein forms Q529P.
Identifiers: ClinVar variation 1409653 (VCV001409653.7), dbSNP rs1210368088, ClinGen allele CA340396877.